The following is an entry in ClinVar:

NM_000285.4(PEPD):c.143T>C (p.Leu48Pro)

Gene: PEPD (peptidase D; minus strand). Cytogenetic location: 19q13.11.
Variant type: single nucleotide variant.
Coding change: c.143T>C on transcript NM_000285.4 (MANE Select); coding-DNA position 143, T replaced by C.
Protein change: p.Leu48Pro; replaces leucine 48 with proline.
Molecular consequence: missense variant.
Genome position (GRCh38, 1-based): chr19:33,512,651, A>G on the plus strand (T>C on the coding strand, the complement: PEPD is on the minus strand). VCF-style: chr19-33512651-A-G. GRCh37 (hg19) VCF-style: chr19-34003557-A-G.
Other names: c.143T>C, p.Leu48Pro (NM_001166056.2, NM_001166057.2); short protein forms L48P.
Identifiers: ClinVar variation 1426977 (VCV001426977.8), dbSNP rs985688311, ClinGen allele CA307567629.
Genomic context (GRCh38, chr19:33,512,651, plus strand): 5'-ACCTGGCGGAAGAGGACCCCGGTGTCGGTGCAGTAGCGCTGAGTCTCCTCCCCGCCCTGC[A>G]GGACCACGATGGAGCCGGCCTGCACAGCAGGGTTCTTCCGCAGCCGCTCACACAGGCGCT-3'
Protein context (NP_000276.2, residues 38-58): PAVQAGSIVV[Leu48Pro]QGGEETQRYC

ClinVar aggregate classification (germline): Uncertain significance (1 of 4 stars; one submission).

Allele frequency attached by ClinVar (database versions not stated): gnomAD exomes below 0.00001; gnomAD 0.00001; TOPMed 0.00001.
gnomAD v4.1: 2 of 1,613,886 alleles (0.00012%); highest among the groups gnomAD compares: African/African-American, 0.0027%; no homozygotes.

Submission:

Labcorp Genetics (formerly Invitae), Labcorp
Classification: Uncertain significance. Last evaluated: 2021-05-10. Review status: criteria provided, single submitter. Criteria: Invitae Variant Classification Sherloc (09022015). Collection method: clinical testing. Allele origin: germline.
Comment: Algorithms developed to predict the effect of missense changes on protein structure and function (SIFT, PolyPhen-2, Align-GVGD) all suggest that this variant is likely to be disruptive, but these predictions have not been confirmed by published functional studies and their clinical significance is uncertain. In summary, the available evidence is currently insufficient to determine the role of this variant in disease. Therefore, it has been classified as a Variant of Uncertain Significance. This variant has not been reported in the literature in individuals with PEPD-related conditions. This variant is not present in population databases (ExAC no frequency). This sequence change replaces leucine with proline at codon 48 of the PEPD protein (p.Leu48Pro). The leucine residue is highly conserved and there is a moderate physicochemical difference between leucine and proline.